The following is an entry in ClinVar:

NM_000064.4(C3):c.1407G>C (p.Glu469Asp)

Gene: C3 (complement C3; minus strand). Cytogenetic location: 19p13.3.
Variant type: single nucleotide variant.
Coding change: c.1407G>C on transcript NM_000064.4 (MANE Select); coding-DNA position 1407, G replaced by C.
Protein change: p.Glu469Asp; replaces glutamic acid 469 with aspartic acid.
Molecular consequence: missense variant.
Genome position (GRCh38, 1-based): chr19:6,711,059, C>G on the plus strand (G>C on the coding strand, the complement: C3 is on the minus strand). VCF-style: chr19-6711059-C-G. GRCh37 (hg19) VCF-style: chr19-6711070-C-G.
Other names: c.1407G>C (LRG_27t1); short protein forms E469D.
Identifiers: ClinVar variation 330325 (VCV000330325.51), dbSNP rs11569422, ClinGen allele CA9129464.

ClinVar aggregate classification (germline): Benign/Likely benign. Review status: criteria provided, multiple submitters, no conflicts (2 of 4 stars). 11 submissions from 9 submitters: Benign (8); Likely benign (2). 1 of the submissions does not count toward it. Last evaluated 2026-08-01.

Conditions:
Atypical hemolytic-uremic syndrome with C3 anomaly. Also called: AHUS, SUSCEPTIBILITY TO, 5. Identifiers: Orphanet 2134, MedGen C2752037, MONDO:0013043, OMIM 612925.
Complement component 3 deficiency. Identifiers: Orphanet 280133, MedGen C3151071, MONDO:0013417, OMIM 613779.
Age related macular degeneration 9. Identifiers: MedGen C1969651, MONDO:0012659, OMIM 611378.
C3-related disorder. Also called: C3-related condition.
Atypical hemolytic-uremic syndrome. Identifiers: Orphanet 2134, MedGen C2931788, MONDO:0016244.
C3 glomerulonephritis. Also called: C3 GLOMERULOPATHY 3; Nephropathy due to CFHR5 Deficiency. Identifiers: Orphanet 329931, MedGen C4055342, MONDO:0013892, OMIM 614809.

Allele frequency attached by ClinVar (database versions not stated): gnomAD exomes 0.00132; gnomAD 0.01362; ESP Exome Variant Server 0.01407; TOPMed 0.01450; 1000 Genomes Project 30x 0.01608; 1000 Genomes Project 0.01617.
gnomAD v4.1: 4,004 of 1,614,142 alleles (0.25%); highest among the groups gnomAD compares: African/African-American, 4.4%; 68 homozygotes.

Submissions (11):

CeGaT Center for Human Genetics Tuebingen
Classification: Benign. Last evaluated: 2026-08-01. Review status: criteria provided, single submitter. Criteria: CeGaT Center For Human Genetics Tuebingen Variant Classification Criteria Version 2. Collection method: clinical testing. Allele origin: germline. Affected: yes. Observed: 7 variant alleles.
Comment: C3: PP2, BP4, BS1, BS2

Labcorp Genetics (formerly Invitae), Labcorp
Classification: Benign. Last evaluated: 2026-02-01. Review status: criteria provided, single submitter. Criteria: Invitae Variant Classification Sherloc (09022015). Collection method: clinical testing. Allele origin: germline.

Women's Health and Genetics/Laboratory Corporation of America, LabCorp
Classification: Likely benign. Last evaluated: 2026-01-22. Review status: criteria provided, single submitter. Criteria: LabCorp Variant Classification Summary - May 2015. Collection method: clinical testing. Allele origin: germline.

Genomenon, Inc
Classification: Benign for Complement component 3 deficiency; C3 glomerulonephritis; Atypical hemolytic-uremic syndrome. Last evaluated: 2025-09-30. Review status: criteria provided, single submitter. Criteria: Genomenon Sequence Variant Interpretation Standards. Collection method: curation. Allele origin: germline. Affected: no.
Comment: C3 p.Glu469Asp (c.1407G>C) is a missense variant that changes the amino acid at residue 469 from Glutamic acid to Aspartic acid. This variant is present at high allele frequency in population databases. In conclusion, we classify C3 p.Glu469Asp (c.1407G>C) as a benign variant.

Blueprint Genetics
Classification: Likely benign. Last evaluated: 2024-11-14. Review status: criteria provided, single submitter. Criteria: ACMG Guidelines, 2015. Collection method: clinical testing. Allele origin: germline.

Mendelics
Classification: Benign for Atypical hemolytic-uremic syndrome with C3 anomaly. Last evaluated: 2024-10-07. Review status: criteria provided, single submitter. Criteria: Mendelics Assertion Criteria 2017. Collection method: clinical testing. Allele origin: unknown.
Comment: The C3 c.1407G>C (p.Glu469Asp) variant (rs11569422) has been reported as benign by laboratories in ClinVar (Variation ID: 330325). GnomAD 4.1.0 frequency is 0.002481 with 68 homozygotes. This frequency and number of homozygotes are not compatible to a variant causing the disease.

Mayo Clinic Laboratories, Mayo Clinic
Classification: Benign. Last evaluated: 2022-12-22. Review status: criteria provided, single submitter. Criteria: ACMG Guidelines, 2015. Collection method: clinical testing. Allele origin: germline. Observed: 73 variant alleles.
Comment: BA1, BP4

Illumina Laboratory Services, Illumina
Classification: Benign for Complement component 3 deficiency. Last evaluated: 2018-01-13. Review status: criteria provided, single submitter. Criteria: ICSL Variant Classification Criteria 13 December 2019. Collection method: clinical testing. Allele origin: germline.
Comment: This variant was observed in the ICSL laboratory as part of a predisposition screen in an ostensibly healthy population. It had not been previously curated by ICSL or reported in the Human Gene Mutation Database (HGMD: prior to June 1st, 2018), and was therefore a candidate for classification through an automated scoring system. Utilizing variant allele frequency, disease prevalence and penetrance estimates, and inheritance mode, an automated score was calculated to assess if this variant is too frequent to cause the disease. Based on the score and internal cut-off values, a variant classified as benign is not then subjected to further curation. The score for this variant resulted in a classification of benign for this disease.

Illumina Laboratory Services, Illumina
Classification: Benign for Age related macular degeneration 9. Last evaluated: 2018-01-13. Review status: criteria provided, single submitter. Criteria: ICSL Variant Classification Criteria 13 December 2019. Collection method: clinical testing. Allele origin: germline.
Comment: the same text as in the submission from Illumina Laboratory Services, Illumina above.

Illumina Laboratory Services, Illumina
Classification: Benign for Atypical hemolytic-uremic syndrome with C3 anomaly. Last evaluated: 2018-01-13. Review status: criteria provided, single submitter. Criteria: ICSL Variant Classification Criteria 13 December 2019. Collection method: clinical testing. Allele origin: germline.
Comment: the same text as in the submission from Illumina Laboratory Services, Illumina above.

PreventionGenetics, part of Exact Sciences
Classification: Benign for C3-related condition. Last evaluated: 2020-01-20. Review status: no assertion criteria provided. Collection method: clinical testing. Allele origin: germline. Not counted in ClinVar's aggregate classification.
Comment: This variant is classified as benign based on ACMG/AMP sequence variant interpretation guidelines (Richards et al. 2015 PMID: 25741868, with internal and published modifications).